The following is an entry in ClinVar:

ClinVar aggregate classification (germline): Uncertain significance. Review status: criteria provided, multiple submitters, no conflicts (2 of 4 stars). 2 submissions from 2 submitters: Uncertain significance (2). Last evaluated 2024-04-04.

Conditions:
Autoimmune lymphoproliferative syndrome, type III caused by mutation in PRKCD. Identifiers: Orphanet 3261, Orphanet 664711, MedGen C3809928, MONDO:8000024, OMIM 615559.

Allele frequency attached by ClinVar (database versions not stated): ExAC 0.00001; gnomAD exomes 0.00001.
gnomAD v4.1: 5 of 1,614,222 alleles (0.00031%); highest among the groups gnomAD compares: East Asian, 0.0067%; no homozygotes.

Submissions (2):

Mayo Clinic Laboratories, Mayo Clinic
Classification: Uncertain significance. Last evaluated: 2024-04-04. Review status: criteria provided, single submitter. Criteria: ACMG Guidelines, 2015. Collection method: clinical testing. Allele origin: germline. Observed: 1 variant allele.
Comment: PP2

Labcorp Genetics (formerly Invitae), Labcorp
Classification: Uncertain significance for Autoimmune lymphoproliferative syndrome, type III caused by mutation in PRKCD. Last evaluated: 2021-12-14. Review status: criteria provided, single submitter. Criteria: Invitae Variant Classification Sherloc (09022015). Collection method: clinical testing. Allele origin: germline.
Comment: This sequence change replaces phenylalanine, which is neutral and non-polar, with valine, which is neutral and non-polar, at codon 351 of the PRKCD protein (p.Phe351Val). This variant is present in population databases (rs782444193, gnomAD 0.01%). This variant has not been reported in the literature in individuals affected with PRKCD-related conditions. ClinVar contains an entry for this variant (Variation ID: 964363). Algorithms developed to predict the effect of missense changes on protein structure and function (SIFT, PolyPhen-2, Align-GVGD) all suggest that this variant is likely to be disruptive. In summary, the available evidence is currently insufficient to determine the role of this variant in disease. Therefore, it has been classified as a Variant of Uncertain Significance.

NM_006254.4(PRKCD):c.1051T>G (p.Phe351Val)

Gene: PRKCD (protein kinase C delta; plus strand). Cytogenetic location: 3p21.1.
Variant type: single nucleotide variant.
Coding change: c.1051T>G on transcript NM_006254.4 (MANE Select); coding-DNA position 1051, T replaced by G.
Protein change: p.Phe351Val; replaces phenylalanine 351 with valine.
Molecular consequence: missense variant.
Genome position (GRCh38, 1-based): chr3:53,185,992, T>G. VCF-style: chr3-53185992-T-G. GRCh37 (hg19) VCF-style: chr3-53220008-T-G.
Other names: p.Phe351Val; c.1051T>G, p.Phe351Val (NM_001316327.2, NM_001354679.2, NM_001354680.2 and 1 more transcripts); c.1108T>G, p.Phe370Val (NM_001354676.2); c.1099T>G, p.Phe367Val (NM_001354678.2); short protein forms F351V, F367V, F370V.
Identifiers: ClinVar variation 964363 (VCV000964363.5), dbSNP rs782444193, ClinGen allele CA2452076.
Genomic context (GRCh38, chr3:53,185,992, plus strand): 5'-AGTGGGACCTACGGCAAGATCTGGGAGGGCAGCAGCAAGTGCAACATCAACAACTTCATC[T>G]TCCACAAGGTCCTGGGCAAAGGCAGCTTCGGGAAGGTGAGGGCTGTGAGCCGGGCACCTG-3'
Protein context (NP_006245.2, residues 341-361): SSKCNINNFI[Phe351Val]HKVLGKGSFG